The following is an entry in ClinVar:

ClinVar aggregate classification (germline): Uncertain significance (1 of 4 stars; one submission).

Submission:

GeneDx
Classification: Uncertain significance. Last evaluated: 2022-12-21. Review status: criteria provided, single submitter. Criteria: GeneDx Variant Classification Process June 2021. Collection method: clinical testing. Allele origin: germline. Affected: yes.
Comment: Not observed at significant frequency in large population cohorts (gnomAD); In silico analysis supports that this missense variant has a deleterious effect on protein structure/function; Has not been previously published as pathogenic or benign to our knowledge

NM_033163.5(FGF8):c.523T>C (p.Tyr175His)

Gene: FGF8 (fibroblast growth factor 8; minus strand). Cytogenetic location: 10q24.32.
Variant type: single nucleotide variant.
Coding change: c.523T>C on transcript NM_033163.5 (MANE Select); coding-DNA position 523, T replaced by C.
Protein change: p.Tyr175His; replaces tyrosine 175 with histidine.
Molecular consequence: missense variant.
Genome position (GRCh38, 1-based): chr10:101,770,541, A>G on the plus strand (T>C on the coding strand, the complement: FGF8 is on the minus strand). VCF-style: chr10-101770541-A-G. GRCh37 (hg19) VCF-style: chr10-103530298-A-G.
Other names: c.211T>C, p.Tyr71His (NM_001206389.2); c.436T>C, p.Tyr146His (NM_006119.6); c.490T>C, p.Tyr164His (NM_033164.4); c.403T>C, p.Tyr135His (NM_033165.5); short protein forms Y135H, Y146H, Y164H, Y175H, Y71H.
Identifiers: ClinVar variation 2571824 (VCV002571824.1), dbSNP rs2539737609, ClinGen allele CA377834042.